The following is an entry in ClinVar:

NM_199420.4(POLQ):c.1465G>C (p.Val489Leu)

Gene: POLQ (DNA polymerase theta; minus strand). Cytogenetic location: 3q13.33.
Variant type: single nucleotide variant.
Coding change: c.1465G>C on transcript NM_199420.4 (MANE Select); coding-DNA position 1465, G replaced by C.
Protein change: p.Val489Leu; replaces valine 489 with leucine.
Molecular consequence: missense variant.
Genome position (GRCh38, 1-based): chr3:121,519,874, C>G on the plus strand (G>C on the coding strand, the complement: POLQ is on the minus strand). VCF-style: chr3-121519874-C-G. GRCh37 (hg19) VCF-style: chr3-121238721-C-G.
Other names: short protein forms V489L.
Identifiers: ClinVar variation 1773245 (VCV001773245.4), dbSNP rs544117810, ClinGen allele CA2563533.

ClinVar aggregate classification (germline): Likely benign. Review status: criteria provided, single submitter (1 of 4 stars). 2 submissions from 2 submitters: Likely benign (1). 1 of the submissions does not count toward it. Last evaluated 2022-10-20.

Conditions:
POLQ-related disorder. Also called: POLQ-related condition.

Allele frequency attached by ClinVar (database versions not stated): TOPMed 0.00022; gnomAD 0.00099; ExAC 0.00371; 1000 Genomes Project 30x 0.00765; 1000 Genomes Project 0.00779.
gnomAD v4.1: 2,349 of 1,504,768 alleles (0.16%); highest among the groups gnomAD compares: South Asian, 2.5%; 45 homozygotes.

Submissions (2):

Ambry Genetics
Classification: Likely benign. Last evaluated: 2022-10-20. Review status: criteria provided, single submitter. Criteria: Ambry Variant Classification Scheme 2023. Collection method: clinical testing. Allele origin: germline.

PreventionGenetics, part of Exact Sciences
Classification: Benign for POLQ-related condition. Last evaluated: 2019-05-06. Review status: no assertion criteria provided. Collection method: clinical testing. Allele origin: germline. Not counted in ClinVar's aggregate classification.
Comment: This variant is classified as benign based on ACMG/AMP sequence variant interpretation guidelines (Richards et al. 2015 PMID: 25741868, with internal and published modifications).